The following is an entry in ClinVar:

NM_024642.5(GALNT12):c.913A>G (p.Ile305Val)

Gene: GALNT12 (polypeptide N-acetylgalactosaminyltransferase 12; plus strand). Cytogenetic location: 9q22.33.
Variant type: single nucleotide variant.
Coding change: c.913A>G on transcript NM_024642.5 (MANE Select); coding-DNA position 913, A replaced by G.
Protein change: p.Ile305Val; replaces isoleucine 305 with valine.
Molecular consequence: missense variant.
Genome position (GRCh38, 1-based): chr9:98,831,953, A>G. VCF-style: chr9-98831953-A-G. GRCh37 (hg19) VCF-style: chr9-101594235-A-G.
Other names: short protein forms I305V.
Identifiers: ClinVar variation 823043 (VCV000823043.4), dbSNP rs1588450129, ClinGen allele CA374218427.

ClinVar aggregate classification (germline): Uncertain significance (1 of 4 stars; one submission).

gnomAD v4.1: 2 of 1,613,728 alleles (0.00012%); highest among the groups gnomAD compares: Non-Finnish European, 0.00017%; no homozygotes.

Submission:

Ambry Genetics
Classification: Uncertain significance. Last evaluated: 2019-05-09. Review status: criteria provided, single submitter. Criteria: Ambry Variant Classification Scheme 2023. Collection method: clinical testing. Allele origin: germline.
Comment: The p.I305V variant (also known as c.913A>G), located in coding exon 4 of the GALNT12 gene, results from an A to G substitution at nucleotide position 913. The isoleucine at codon 305 is replaced by valine, an amino acid with highly similar properties. This amino acid position is highly conserved in available vertebrate species. In addition, this alteration is predicted to be tolerated by in silico analysis. Since supporting evidence is limited at this time, the clinical significance of this alteration remains unclear.